The following is an entry in ClinVar:

NM_001083961.2(WDR62):c.2566C>T (p.Arg856Cys)

Gene: WDR62 (WD repeat domain 62; plus strand). Cytogenetic location: 19q13.12.
Variant type: single nucleotide variant.
Coding change: c.2566C>T on transcript NM_001083961.2 (MANE Select); coding-DNA position 2566, C replaced by T.
Protein change: p.Arg856Cys; replaces arginine 856 with cysteine.
Molecular consequence: missense variant.
Genome position (GRCh38, 1-based): chr19:36,099,444, C>T. VCF-style: chr19-36099444-C-T. GRCh37 (hg19) VCF-style: chr19-36590346-C-T.
Other names: c.2566C>T, p.Arg856Cys (NM_173636.5); short protein forms R856C.
Identifiers: ClinVar variation 160270 (VCV000160270.7), dbSNP rs370558837, ClinGen allele CA272771.
Genomic context (GRCh38, chr19:36,099,444, plus strand): 5'-CCGATATCCTTCAAGCTAGGGGACGATGATGTGGCAGATGGCTTGGCCTTCCACGCCAAG[C>T]GCAGCTACCAGCCCCACGGCCGCTGGGCAGAGCGGGCCGGCCAAGAGCCCCTCAAGACCA-3'
Protein context (NP_001077430.1, residues 846-866): VADGLAFHAK[Arg856Cys]SYQPHGRWAE

ClinVar aggregate classification (germline): Uncertain significance. Review status: criteria provided, multiple submitters, no conflicts (2 of 4 stars). 2 submissions from 2 submitters: Uncertain significance (2). Last evaluated 2023-12-06.

Conditions:
Microcephaly 2, primary, autosomal recessive, with or without cortical malformations. Also called: MICROCEPHALY 2, PRIMARY, AUTOSOMAL RECESSIVE, WITH CORTICAL MALFORMATIONS; WDR62 Primary Microcephaly. Identifiers: Orphanet 2512, MedGen C1858535, MONDO:0011435, OMIM 604317.

Allele frequency attached by ClinVar (database versions not stated): gnomAD exomes 0.00002; TOPMed 0.00002; gnomAD 0.00003.
gnomAD v4.1: 22 of 1,613,652 alleles (0.0014%); highest among the groups gnomAD compares: Admixed American, 0.027%; no homozygotes.

Submissions (2):

GeneDx
Classification: Uncertain significance. Last evaluated: 2023-12-06. Review status: criteria provided, single submitter. Criteria: GeneDx Variant Classification Process June 2021. Collection method: clinical testing. Allele origin: germline. Affected: yes.
Comment: In silico analysis supports that this missense variant has a deleterious effect on protein structure/function; Has not been previously published as pathogenic or benign to our knowledge

Genetic Services Laboratory, University of Chicago
Classification: Uncertain significance for Microcephaly 2, primary, autosomal recessive, with or without cortical malformations. Last evaluated: 2013-06-13. Review status: criteria provided, single submitter. Criteria: ACMG Guidelines, 2007. Collection method: clinical testing. Allele origin: germline. Inheritance: Autosomal recessive inheritance.